The following is an entry in ClinVar:

ClinVar aggregate classification (germline): Uncertain significance (1 of 4 stars; one submission).

Submission:

Labcorp Genetics (formerly Invitae), Labcorp
Classification: Uncertain significance. Last evaluated: 2022-02-25. Review status: criteria provided, single submitter. Criteria: Invitae Variant Classification Sherloc (09022015). Collection method: clinical testing. Allele origin: germline.
Comment: This variant has not been reported in the literature in individuals affected with WHRN-related conditions. In summary, the available evidence is currently insufficient to determine the role of this variant in disease. Therefore, it has been classified as a Variant of Uncertain Significance. Algorithms developed to predict the effect of missense changes on protein structure and function are either unavailable or do not agree on the potential impact of this missense change (SIFT: "Tolerated"; PolyPhen-2: "Possibly Damaging"; Align-GVGD: "Class C0"). This variant is not present in population databases (gnomAD no frequency). This sequence change replaces asparagine, which is neutral and polar, with aspartic acid, which is acidic and polar, at codon 543 of the WHRN protein (p.Asn543Asp).

NM_015404.4(WHRN):c.1627A>G (p.Asn543Asp)

Gene: WHRN (whirlin; minus strand). Cytogenetic location: 9q32.
Variant type: single nucleotide variant.
Coding change: c.1627A>G on transcript NM_015404.4 (MANE Select); coding-DNA position 1627, A replaced by G.
Protein change: p.Asn543Asp; replaces asparagine 543 with aspartic acid.
Molecular consequence: missense variant.
Genome position (GRCh38, 1-based): chr9:114,408,018, T>C on the plus strand (A>G on the coding strand, the complement: WHRN is on the minus strand). VCF-style: chr9-114408018-T-C. GRCh37 (hg19) VCF-style: chr9-117170298-T-C.
Other names: c.478A>G, p.Asn160Asp (NM_001083885.3); c.1627A>G, p.Asn543Asp (NM_001173425.2); c.574A>G, p.Asn192Asp (NM_001346890.1); short protein forms N160D, N192D, N543D.
Identifiers: ClinVar variation 1490391 (VCV001490391.6), dbSNP rs2132222713, ClinGen allele CA374621249.